The following is an entry in ClinVar:

ClinVar aggregate classification (germline): Likely benign (0 of 4 stars; one submission).

Conditions:
CHEK1-related disorder. Also called: CHEK1-related condition.

Allele frequency attached by ClinVar (database versions not stated): TOPMed 0.00058; gnomAD 0.00084; 1000 Genomes Project 30x 0.00125; 1000 Genomes Project 0.00140; ExAC 0.00316.
gnomAD v4.1: 830 of 702,640 alleles (0.12%); highest among the groups gnomAD compares: South Asian, 0.36%; 3 homozygotes.

Submission:

PreventionGenetics, part of Exact Sciences
Classification: Likely benign for CHEK1-related condition. Last evaluated: 2020-09-08. Review status: no assertion criteria provided. Collection method: clinical testing. Allele origin: germline.
Comment: This variant is classified as likely benign based on ACMG/AMP sequence variant interpretation guidelines (Richards et al. 2015 PMID: 25741868, with internal and published modifications).

NM_001114122.3(CHEK1):c.-170C>T

Genes: CHEK1 (checkpoint kinase 1; plus strand), LOC118567325 (uncharacterized LOC118567325; minus strand). Cytogenetic location: 11q24.2.
Variant type: single nucleotide variant.
Coding change: c.-170C>T on transcript NM_001114122.3 (MANE Select); 170 bases upstream of the start codon, C replaced by T.
Molecular consequence: 5 prime UTR variant. On other transcripts: non-coding transcript variant (2).
Genome position (GRCh38, 1-based): chr11:125,625,863, C>T. VCF-style: chr11-125625863-C-T. GRCh37 (hg19) VCF-style: chr11-125495758-C-T.
Other names: c.-170C>T (NM_001114121.2, NM_001244846.1); c.-249C>T (NM_001330427.2).
Identifiers: ClinVar variation 3050406 (VCV003050406.2), dbSNP rs544839853, ClinGen allele CA6349263.
Genomic context (GRCh38, chr11:125,625,863, plus strand): 5'-CCCGACTGCAAAGCAGCCCTGGGCGGGAGCGGCAACATCTCCACGTCACCCTTTTGGAGC[C>T]GCCGACATTCAGAGGGGCAGGACACGGGAACGCGCGCTGTCTTGCTTTACGGCGCGGGTG-3'